The following is an entry in ClinVar:

NM_004004.6(GJB2):c.587T>C (p.Ile196Thr)

Gene: GJB2 (gap junction protein beta 2; minus strand). Cytogenetic location: 13q12.11.
Variant type: single nucleotide variant.
Coding change: c.587T>C on transcript NM_004004.6 (MANE Select); coding-DNA position 587, T replaced by C.
Protein change: p.Ile196Thr; replaces isoleucine 196 with threonine.
Molecular consequence: missense variant.
Genome position (GRCh38, 1-based): chr13:20,188,995, A>G on the plus strand (T>C on the coding strand, the complement: GJB2 is on the minus strand). VCF-style: chr13-20188995-A-G. GRCh37 (hg19) VCF-style: chr13-20763134-A-G.
Other names: short protein forms I196T.
Identifiers: ClinVar variation 447447 (VCV000447447.15), dbSNP rs765172751, ClinGen allele CA246459805.

ClinVar aggregate classification (germline): Uncertain significance. Review status: criteria provided, multiple submitters, no conflicts (2 of 4 stars). 8 submissions from 8 submitters: Uncertain significance (7). 1 of the submissions does not count toward it. Last evaluated 2025-12-22.

Conditions:
GJB2-related disorder. Also called: GJB2-related condition; GJB2-related disorders. Identifiers: MedGen CN382183, MONDO:1060236.
Autosomal recessive nonsyndromic hearing loss 1A (DFNB1A). Also called: Nonsyndromic Hearing Loss and Deafness, DFNB1; GJB6-Related DFNB 1 Nonsyndromic Hearing Loss and Deafness; Deafness, autosomal recessive 1A; Connexin 26 deafness; Deafness nonsyndromic, Connexin 26 linked; GJB2-Related Autosomal Recessive Nonsyndromic Hearing Loss. Identifiers: Orphanet 90636, MedGen C2673759, MONDO:0009076, OMIM 220290.
Mutilating keratoderma (VOWNKL). Also called: Keratoderma hereditarium mutilans. Identifiers: Orphanet 494, MedGen C0265964, MONDO:0007422, OMIM 124500.
Ichthyosis, hystrix-like, with hearing loss. Also called: Hystrix-like ichthyosis with deafness. Identifiers: Orphanet 477, MedGen C1865234, MONDO:0011245.
X-linked mixed hearing loss with perilymphatic gusher. Also called: NANCE DEAFNESS; PERILYMPHATIC GUSHER-DEAFNESS SYNDROME; SENSORINEURAL DEAFNESS, PROFOUND, WITH OR WITHOUT A CONDUCTIVE COMPONENT, ASSOCIATED WITH A UNIQUE DEVELOPMENTAL ABNORMALITY OF THE EAR; Deafness, X-linked 2; Gusher syndrome. Identifiers: Orphanet 383, MedGen C1844678, MONDO:0010576, OMIM 304400.
Autosomal dominant keratitis-ichthyosis-hearing loss syndrome. Also called: KID SYNDROME, AUTOSOMAL DOMINANT; Senter syndrome; HID SYNDROME. Identifiers: Orphanet 477, MedGen C0265336, MONDO:0007850, OMIM 148210.
Palmoplantar keratoderma-deafness syndrome. Also called: Keratoderma palmoplantar, with deafness; Palmoplantar keratoderma and sensorineural deafness; Hereditary palmoplantar keratoderma with deafness (subtype); Focal palmoplantar keratoderma with sensorineural deafness (subtype); Diffuse palmoplantar keratoderma with deafness (subtype). Identifiers: Orphanet 2202, MedGen C1835672, MONDO:0007852, OMIM 148350.
Knuckle pads, deafness AND leukonychia syndrome. Also called: Bart-Pumphrey syndrome. Identifiers: Orphanet 2698, MedGen C0266004, MONDO:0007866, OMIM 149200.
Autosomal dominant nonsyndromic hearing loss 3A. Identifiers: Orphanet 90635, MedGen C2675750, MONDO:0011103, OMIM 601544.

Allele frequency attached by ClinVar (database versions not stated): TOPMed 0.00003; gnomAD 0.00004 and 0.00003.
gnomAD v4.1: 21 of 1,613,910 alleles (0.0013%); highest among the groups gnomAD compares: Admixed American, 0.023%; no homozygotes.

Submissions (8):

GeneDx
Classification: Uncertain significance. Last evaluated: 2025-12-22. Review status: criteria provided, single submitter. Criteria: GeneDx Variant Classification Process June 2021. Collection method: clinical testing. Allele origin: germline.
Comment: Observed in patients with hearing loss in published literature but was observed with a second variant in only one patient (PMID: 29773520, 31992338); In silico analysis supports that this missense variant has a deleterious effect on protein structure/function; This variant is associated with the following publications: (PMID: 31992338, 26540915, 29773520, 36048236)

PreventionGenetics, part of Exact Sciences
Classification: Uncertain significance for GJB2-related condition. Last evaluated: 2025-12-02. Review status: criteria provided, single submitter. Criteria: ACMG Guidelines, 2015. Collection method: clinical testing. Allele origin: germline.
Comment: The GJB2 c.587T>C variant is predicted to result in the amino acid substitution p.Ile196Thr. This variant was reported in at least one individual with hearing loss, although pathogenicity was not established (Yu et al. 2020. PubMed ID: 31992338; Table S1, Xiang et al. 2022. PubMed ID: 36048236). This variant is reported in 0.011% of alleles in individuals of East Asian descent in gnomAD. At this time, the clinical significance of this variant is uncertain due to the absence of conclusive functional and genetic evidence.

Labcorp Genetics (formerly Invitae), Labcorp
Classification: Uncertain significance. Last evaluated: 2025-07-27. Review status: criteria provided, single submitter. Criteria: Invitae Variant Classification Sherloc (09022015). Collection method: clinical testing. Allele origin: germline.
Comment: This sequence change replaces isoleucine, which is neutral and non-polar, with threonine, which is neutral and polar, at codon 196 of the GJB2 protein (p.Ile196Thr). This variant is present in population databases (no rsID available, gnomAD 0.01%). This missense change has been observed in individual(s) with autosomal recessive deafness (PMID: 29773520, 31992338; internal data). In at least one individual the data is consistent with being in trans (on the opposite chromosome) from a pathogenic variant. ClinVar contains an entry for this variant (Variation ID: 447447). Invitae Evidence Modeling of protein sequence and biophysical properties (such as structural, functional, and spatial information, amino acid conservation, physicochemical variation, residue mobility, and thermodynamic stability) has been performed for this missense variant. However, the output from this modeling did not meet the statistical confidence thresholds required to predict the impact of this variant on GJB2 protein function. In summary, the available evidence is currently insufficient to determine the role of this variant in disease. Therefore, it has been classified as a Variant of Uncertain Significance.

Myriad Genetics, Inc.
Classification: Uncertain significance for Autosomal recessive nonsyndromic hearing loss 1A. Last evaluated: 2021-11-01. Review status: criteria provided, single submitter. Criteria: Myriad Women's Health Autosomal Recessive and X-Linked Classification Criteria (2021). Collection method: clinical testing. Allele origin: unknown.
Comment: NM_004004.5(GJB2):c.587T>C(I196T) is a missense variant classified as a variant of uncertain significance in the context of GJB2-related DFNB1 nonsyndromic hearing loss and deafness. I196T has been observed in cases with relevant disease (PMID: 31992338, 29773520). Functional assessments of this variant are not available in the literature. I196T has been observed in population frequency databases (gnomAD: EAS 0.01%). In summary, there is insufficient evidence to classify NM_004004.5(GJB2):c.587T>C(I196T) as pathogenic or benign. Please note: this variant was assessed in the context of healthy population screening.

Fulgent Genetics
Classification: Uncertain significance for Mutilating keratoderma; Autosomal dominant keratitis-ichthyosis-hearing loss syndrome; Palmoplantar keratoderma-deafness syndrome; Knuckle pads, deafness AND leukonychia syndrome; Autosomal recessive nonsyndromic hearing loss 1A; X-linked mixed hearing loss with perilymphatic gusher; Autosomal dominant nonsyndromic hearing loss 3A. Last evaluated: 2021-10-27. Review status: criteria provided, single submitter. Criteria: ACMG Guidelines, 2015. Collection method: clinical testing. Allele origin: unknown.

Women's Health and Genetics/Laboratory Corporation of America, LabCorp
Classification: Uncertain significance. Last evaluated: 2019-11-22. Review status: criteria provided, single submitter. Criteria: LabCorp Variant Classification Summary - May 2015. Collection method: clinical testing. Allele origin: germline.
Comment: Variant summary: GJB2 c.587T>C (p.Ile196Thr) results in a non-conservative amino acid change located in the Gap junction protein, cysteine-rich domain (IPR019570) of the encoded protein sequence. Five of five in-silico tools predict a damaging effect of the variant on protein function. The variant allele was found at a frequency of 1.2e-05 in 251346 control chromosomes (gnomAD). The available data on variant occurrences in the general population are insufficient to allow any conclusion about variant significance. c.587T>C has been reported in the literature in one individual affected with Non-Syndromic Hearing Loss (Felix_2019) and a newborn screening (Qingjia_2015). These reports do not provide an unequivocal conclusion about association of the variant with Non-Syndromic Hearing Loss. To our knowledge, no experimental evidence demonstrating an impact on protein function has been reported. A ClinVar submission (evaluation after 2014) cites the variant as uncertain significance. Based on the evidence outlined above, the variant was classified as uncertain significance.

Athena Diagnostics
Classification: Uncertain significance. Last evaluated: 2016-10-06. Review status: criteria provided, single submitter. Criteria: Athena Diagnostics Criteria. Collection method: clinical testing. Allele origin: germline.

Natera, Inc.
Classification: Uncertain significance for Autosomal recessive deafness type 1A. Last evaluated: 2020-11-16. Review status: no assertion criteria provided. Collection method: clinical testing. Allele origin: germline. Not counted in ClinVar's aggregate classification.

Literature cited by the submitters: PubMed 29773520 (cited by 3 submitters); PubMed 31992338 (cited by Labcorp Genetics (formerly Invitae), Labcorp and Myriad Genetics, Inc.); PubMed 26540915 (cited by Women's Health and Genetics/Laboratory Corporation of America, LabCorp and Athena Diagnostics).